The following is an entry in ClinVar:

NM_001063.4(TF):c.1688-4C>A

Gene: TF (transferrin; plus strand). Cytogenetic location: 3q22.1.
Variant type: single nucleotide variant.
Coding change: c.1688-4C>A on transcript NM_001063.4 (MANE Select); 4 bases into the intron before coding-DNA position 1688, C replaced by A.
Molecular consequence: intron variant.
Genome position (GRCh38, 1-based): chr3:133,775,429, C>A. VCF-style: chr3-133775429-C-A. GRCh37 (hg19) VCF-style: chr3-133494273-C-A.
Other names: p.?; c.1556-4C>A (NM_001354703.2); c.1307-4C>A (NM_001354704.2).
Identifiers: ClinVar variation 343448 (VCV000343448.42), dbSNP rs185023567, ClinGen allele CA2625398.
Genomic context (GRCh38, chr3:133,775,429, plus strand): 5'-CCATCTCCCCAGCGGGGCACCTTGACCAAAGCCATCAGCTGAACCACCTTCTTCCTGTCC[C>A]TAGGAAAAAACCCTGATCCATGGGCTAAGAATCTGAATGAAAAAGACTATGAGTTGCTGT-3'

ClinVar aggregate classification (germline): Benign/Likely benign. Review status: criteria provided, multiple submitters, no conflicts (2 of 4 stars). 7 submissions from 7 submitters: Benign (2); Likely benign (5). Last evaluated 2026-01-31.

Conditions:
TF-related disorder. Also called: TF-related condition.
Atransferrinemia. Also called: Familial hypotransferrinemia. Identifiers: Orphanet 1195, MedGen C0521802, MONDO:0008846, OMIM 209300, HP:0012239.

Allele frequency attached by ClinVar (database versions not stated): ExAC 0.00376; gnomAD 0.00402; 1000 Genomes Project 0.00220; 1000 Genomes Project 30x 0.00234; TOPMed 0.00333; ESP Exome Variant Server 0.00369.
gnomAD v4.1: 8,301 of 1,614,130 alleles (0.51%); highest among the groups gnomAD compares: Non-Finnish European, 0.62%; 20 homozygotes.

Submissions (7):

Labcorp Genetics (formerly Invitae), Labcorp
Classification: Benign. Last evaluated: 2026-01-31. Review status: criteria provided, single submitter. Criteria: Invitae Variant Classification Sherloc (09022015). Collection method: clinical testing. Allele origin: germline.

CeGaT Center for Human Genetics Tuebingen
Classification: Likely benign. Last evaluated: 2025-05-01. Review status: criteria provided, single submitter. Criteria: CeGaT Center For Human Genetics Tuebingen Variant Classification Criteria Version 2. Collection method: clinical testing. Allele origin: germline. Affected: yes. Observed: 2 variant alleles.
Comment: TF: BP4, BS2

PreventionGenetics, part of Exact Sciences
Classification: Likely benign for TF-related condition. Last evaluated: 2025-04-02. Review status: criteria provided, single submitter. Criteria: ACMG Guidelines, 2015. Collection method: clinical testing. Allele origin: germline.
Comment: This variant is classified as likely benign based on ACMG/AMP sequence variant interpretation guidelines (Richards et al. 2015 PMID: 25741868, with internal and published modifications).

Blueprint Genetics
Classification: Likely benign. Last evaluated: 2024-11-26. Review status: criteria provided, single submitter. Criteria: ACMG Guidelines, 2015. Collection method: clinical testing. Allele origin: germline.

Mayo Clinic Laboratories, Mayo Clinic
Classification: Benign. Last evaluated: 2019-03-07. Review status: criteria provided, single submitter. Criteria: ACMG Guidelines, 2015. Collection method: clinical testing. Allele origin: germline. Observed: 2 variant alleles.

Illumina Laboratory Services, Illumina
Classification: Likely benign for Atransferrinemia. Last evaluated: 2018-01-13. Review status: criteria provided, single submitter. Criteria: ICSL Variant Classification Criteria 13 December 2019. Collection method: clinical testing. Allele origin: germline.
Comment: This variant was observed in the ICSL laboratory as part of a predisposition screen in an ostensibly healthy population. It had not been previously curated by ICSL or reported in the Human Gene Mutation Database (HGMD: prior to June 1st, 2018), and was therefore a candidate for classification through an automated scoring system. Utilizing variant allele frequency, disease prevalence and penetrance estimates, and inheritance mode, an automated score was calculated to assess if this variant is too frequent to cause the disease. Based on the score and internal cut-off values, a variant classified as likely benign is not then subjected to further curation. The score for this variant resulted in a classification of likely benign for this disease.

Breakthrough Genomics
Classification: Likely benign. Review status: criteria provided, single submitter. Criteria: ACMG Guidelines, 2015. Collection method: not provided. Allele origin: germline. Inheritance: Autosomal recessive inheritance. Affected: yes.